The following is an entry in ClinVar:

ClinVar aggregate classification (germline): Uncertain significance (1 of 4 stars; one submission).

Conditions:
Nephronophthisis 14 (NPHP14). Identifiers: Orphanet 2318, MedGen C3539071, MONDO:0013916, OMIM 614844.

Submission:

Labcorp Genetics (formerly Invitae), Labcorp
Classification: Uncertain significance for Nephronophthisis 14. Last evaluated: 2024-05-15. Review status: criteria provided, single submitter. Criteria: Invitae Variant Classification Sherloc (09022015). Collection method: clinical testing. Allele origin: germline.
Comment: This sequence change replaces aspartic acid, which is acidic and polar, with glycine, which is neutral and non-polar, at codon 1142 of the ZNF423 protein (p.Asp1142Gly). This variant is not present in population databases (gnomAD no frequency). This variant has not been reported in the literature in individuals affected with ZNF423-related conditions. ClinVar contains an entry for this variant (Variation ID: 1448718). Advanced modeling of protein sequence and biophysical properties (such as structural, functional, and spatial information, amino acid conservation, physicochemical variation, residue mobility, and thermodynamic stability) performed at Invitae indicates that this missense variant is not expected to disrupt ZNF423 protein function with a negative predictive value of 80%. In summary, the available evidence is currently insufficient to determine the role of this variant in disease. Therefore, it has been classified as a Variant of Uncertain Significance.

NM_001379286.1(ZNF423):c.3449A>G (p.Asp1150Gly)

Gene: ZNF423 (zinc finger protein 423; minus strand). Cytogenetic location: 16q12.1.
Variant type: single nucleotide variant.
Coding change: c.3449A>G on transcript NM_001379286.1 (MANE Select); coding-DNA position 3449, A replaced by G.
Protein change: p.Asp1150Gly; replaces aspartic acid 1150 with glycine.
Molecular consequence: missense variant.
Genome position (GRCh38, 1-based): chr16:49,635,727, T>C on the plus strand (A>G on the coding strand, the complement: ZNF423 is on the minus strand). VCF-style: chr16-49635727-T-C. GRCh37 (hg19) VCF-style: chr16-49669638-T-C.
Other names: c.3245A>G, p.Asp1082Gly (NM_001271620.2); c.3074A>G, p.Asp1025Gly (NM_001330533.2); c.3425A>G, p.Asp1142Gly (NM_015069.5); short protein forms D1082G, D1025G, D1142G, D1150G.
Identifiers: ClinVar variation 1448718 (VCV001448718.8), dbSNP rs1247890274, ClinGen allele CA395839334.